The following is an entry in ClinVar:

NM_001009944.3(PKD1):c.3368G>A (p.Arg1123His)

Gene: PKD1 (polycystin 1, transient receptor potential channel interacting; minus strand). Cytogenetic location: 16p13.3.
Variant type: single nucleotide variant.
Coding change: c.3368G>A on transcript NM_001009944.3 (MANE Select); coding-DNA position 3368, G replaced by A.
Protein change: p.Arg1123His; replaces arginine 1123 with histidine.
Molecular consequence: missense variant.
Genome position (GRCh38, 1-based): chr16:2,111,799, C>T on the plus strand (G>A on the coding strand, the complement: PKD1 is on the minus strand). VCF-style: chr16-2111799-C-T. GRCh37 (hg19) VCF-style: chr16-2161800-C-T.
Other names: c.3368G>A, p.Arg1123His (NM_000296.4); c.3368G>A (NM_000296.3); short protein forms R1123H.
Identifiers: ClinVar variation 1304354 (VCV001304354.5), dbSNP rs137863236, ClinGen allele CA7832795.
Genomic context (GRCh38, chr16:2,111,799, plus strand): 5'-GGCCGGCCGGCCACCAGGACGCCGTCACTCACACCCACAGCCACGGAGGGCAGGGAGGCG[C>T]GCACGCTCACAGGCACCTGCTGCGTCAGGTTCTCGAAGGCATTAGATGCCAGCACGGTCA-3'
Protein context (NP_001009944.3, residues 1113-1133): NLTQQVPVSV[Arg1123His]ASLPSVAVGV

ClinVar aggregate classification (germline): Conflicting classifications of pathogenicity. Review status: criteria provided, conflicting classifications (1 of 4 stars). 3 submissions from 3 submitters: Uncertain significance (2); Likely benign (1). Last evaluated 2025-07-13.

Conditions:
Inborn genetic diseases. Identifiers: MedGen C0950123, MeSH D030342.

Allele frequency attached by ClinVar (database versions not stated): gnomAD exomes 0.00001; ExAC 0.00005; gnomAD 0.00005; ESP Exome Variant Server 0.00008.

Submissions (3):

Ambry Genetics
Classification: Uncertain significance for Inborn genetic diseases. Last evaluated: 2025-07-13. Review status: criteria provided, single submitter. Criteria: Ambry Variant Classification Scheme 2023. Collection method: clinical testing. Allele origin: germline.

GeneDx
Classification: Uncertain significance. Last evaluated: 2025-03-19. Review status: criteria provided, single submitter. Criteria: GeneDx Variant Classification Process June 2021. Collection method: clinical testing. Allele origin: germline. Affected: yes.
Comment: In silico analysis indicates that this missense variant does not alter protein structure/function; Has not been previously published as pathogenic or benign to our knowledge

Blueprint Genetics
Classification: Likely benign. Last evaluated: 2021-03-23. Review status: criteria provided, single submitter. Criteria: ACMG Guidelines, 2015. Collection method: clinical testing. Allele origin: germline.